The following is an entry in ClinVar:

ClinVar aggregate classification (germline): Uncertain significance. Review status: criteria provided, multiple submitters, no conflicts (2 of 4 stars). 2 submissions from 2 submitters: Uncertain significance (2). Last evaluated 2026-08-13.

Conditions:
CHARGE syndrome (CHARGE). Also called: Hittner Hirsch Kreh syndrome; CHARGE ASSOCIATION--COLOBOMA, HEART ANOMALY, CHOANAL ATRESIA, RETARDATION, GENITAL AND EAR ANOMALIES; Coloboma, heart anomaly, choanal atresia, retardation, genital and ear anomalies; CHARGE association; Hall-Hittner syndrome. Identifiers: Orphanet 138, MedGen C0265354, MONDO:0008965.
SEMA3E-related disorder. Also called: SEMA3E-related condition.

gnomAD v4.1: 3 of 1,613,298 alleles (0.00019%); highest among the groups gnomAD compares: Non-Finnish European, 0.00025%; no homozygotes.

Submissions (2):

PreventionGenetics, part of Exact Sciences
Classification: Uncertain significance for SEMA3E-related condition. Last evaluated: 2026-08-13. Review status: criteria provided, single submitter. Criteria: ACMG Guidelines, 2015. Collection method: clinical testing. Allele origin: germline.
Comment: The SEMA3E c.707A>C variant is predicted to result in the amino acid substitution p.Asn236Thr. To our knowledge, this variant has not been reported in the literature. This variant is reported in 0.0065% of alleles in individuals of European (Non-Finnish) descent in gnomAD. At this time, the clinical significance of this variant is uncertain due to the absence of conclusive functional and genetic evidence.

Labcorp Genetics (formerly Invitae), Labcorp
Classification: Uncertain significance for CHARGE syndrome. Last evaluated: 2025-03-19. Review status: criteria provided, single submitter. Criteria: Invitae Variant Classification Sherloc (09022015). Collection method: clinical testing. Allele origin: germline.
Comment: This sequence change replaces asparagine, which is neutral and polar, with threonine, which is neutral and polar, at codon 236 of the SEMA3E protein (p.Asn236Thr). The frequency data for this variant in the population databases is considered unreliable, as metrics indicate poor data quality at this position in the gnomAD database. This variant has not been reported in the literature in individuals affected with SEMA3E-related conditions. Invitae Evidence Modeling of protein sequence and biophysical properties (such as structural, functional, and spatial information, amino acid conservation, physicochemical variation, residue mobility, and thermodynamic stability) indicates that this missense variant is not expected to disrupt SEMA3E protein function with a negative predictive value of 80%. In summary, the available evidence is currently insufficient to determine the role of this variant in disease. Therefore, it has been classified as a Variant of Uncertain Significance.

NM_012431.3(SEMA3E):c.707A>C (p.Asn236Thr)

Gene: SEMA3E (semaphorin 3E; minus strand). Cytogenetic location: 7q21.11.
Variant type: single nucleotide variant.
Coding change: c.707A>C on transcript NM_012431.3 (MANE Select); coding-DNA position 707, A replaced by C.
Protein change: p.Asn236Thr; replaces asparagine 236 with threonine.
Molecular consequence: missense variant.
Genome position (GRCh38, 1-based): chr7:83,407,203, T>G on the plus strand (A>C on the coding strand, the complement: SEMA3E is on the minus strand). VCF-style: chr7-83407203-T-G. GRCh37 (hg19) VCF-style: chr7-83036519-T-G.
Other names: c.527A>C, p.Asn176Thr (NM_001178129.2); c.707A>C (NM_012431.2); short protein forms N176T, N236T.
Identifiers: ClinVar variation 4768720 (VCV004768720.2).